The following is an entry in ClinVar:

ClinVar aggregate classification (germline): Pathogenic (1 of 4 stars; one submission).

Conditions:
Combined immunodeficiency due to LRBA deficiency. Also called: Common variable immunodeficiency 8, with autoimmunity. Identifiers: Orphanet 445018, MedGen C3553512, MONDO:0013863, OMIM 614700.

Submission:

Labcorp Genetics (formerly Invitae), Labcorp
Classification: Pathogenic for Combined immunodeficiency due to LRBA deficiency. Last evaluated: 2024-04-25. Review status: criteria provided, single submitter. Criteria: Invitae Variant Classification Sherloc (09022015). Collection method: clinical testing. Allele origin: germline.
Comment: This sequence change creates a premature translational stop signal (p.Arg1929*) in the LRBA gene. It is expected to result in an absent or disrupted protein product. Loss-of-function variants in LRBA are known to be pathogenic (PMID: 26206937, 26768763). This variant is not present in population databases (gnomAD no frequency). This variant has not been reported in the literature in individuals affected with LRBA-related conditions. For these reasons, this variant has been classified as Pathogenic.

Literature cited by the submitters: PubMed 26206937; PubMed 26768763.

NM_001364905.1(LRBA):c.5785C>T (p.Arg1929Ter)

Gene: LRBA (LPS responsive beige-like anchor protein; minus strand). Cytogenetic location: 4q31.3.
Variant type: single nucleotide variant.
Coding change: c.5785C>T on transcript NM_001364905.1 (MANE Select); coding-DNA position 5785, C replaced by T.
Protein change: p.Arg1929Ter; replaces arginine 1929 with a stop codon.
Molecular consequence: nonsense.
Genome position (GRCh38, 1-based): chr4:150,683,687, G>A on the plus strand (C>T on the coding strand, the complement: LRBA is on the minus strand). VCF-style: chr4-150683687-G-A. GRCh37 (hg19) VCF-style: chr4-151604839-G-A.
Other names: c.5785C>T, p.Arg1929Ter (NM_001199282.3, NM_001367550.1, NM_006726.5); short protein forms R1929*.
Identifiers: ClinVar variation 3610021 (VCV003610021.2).
Genomic context (GRCh38, chr4:150,683,687, plus strand): 5'-TCACGTGGTCACGATATTTTGCTGCTCTTATCAAATGATCACACATCTTCTCATCTTCTC[G>A]TTTGTCTGCAGAATACTGGGCACACAGTGACTTGGAGAGAAAAAAAAATAATACTATAAA-3'